The following is an entry in ClinVar:

NM_000214.3(JAG1):c.63C>G (p.Leu21=)

Gene: JAG1 (jagged canonical Notch ligand 1; minus strand). Cytogenetic location: 20p12.2.
Variant type: single nucleotide variant.
Coding change: c.63C>G on transcript NM_000214.3 (MANE Select); coding-DNA position 63, C replaced by G.
Protein change: p.Leu21=; no amino-acid change (leucine 21 retained).
Molecular consequence: synonymous variant.
Genome position (GRCh38, 1-based): chr20:10,673,468, G>C on the plus strand (C>G on the coding strand, the complement: JAG1 is on the minus strand). VCF-style: chr20-10673468-G-C. GRCh37 (hg19) VCF-style: chr20-10654116-G-C.
Identifiers: ClinVar variation 3573214 (VCV003573214.2).

Conditions:
Arteriohepatic dysplasia. Also called: Alagille Syndrome. Identifiers: Orphanet 52, MedGen C0085280, MeSH D016738, MONDO:0007318.

Submission:

Gilbert/Spinner Lab, Children's Hospital of Philadelphia
No classification provided (evidence only). Condition: Alagille syndrome. Review status: no classification provided. Collection method: research. Allele origin: not applicable. Functional consequence: functionally_abnormal.
ClinVar note: "not provided" was previously submitted as the classification for the variant. However, the classification appeared to be based only on an observation of functional data so it was converted to no classification on 2025-07-30.